The following is an entry in ClinVar:

ClinVar aggregate classification (germline): Uncertain significance. Review status: criteria provided, multiple submitters, no conflicts (2 of 4 stars). 3 submissions from 3 submitters: Uncertain significance (3). Last evaluated 2025-06-16.

Conditions:
Seizures, benign familial infantile, 3 (BFIS3). Also called: CONVULSIONS, BENIGN FAMILIAL INFANTILE, 3; Familial neonatal seizures. Identifiers: Orphanet 140927, Orphanet 306, MedGen C1843140, MONDO:0011904, OMIM 607745.
Developmental and epileptic encephalopathy, 11 (DEE11). Also called: Early infantile epileptic encephalopathy 11. Identifiers: Orphanet 1934, MedGen C3150987, MONDO:0013388, OMIM 613721.

Allele frequency attached by ClinVar (database versions not stated): TOPMed below 0.00001; gnomAD 0.00001; ExAC 0.00002; gnomAD exomes 0.00002.
gnomAD v4.1: 31 of 1,613,804 alleles (0.0019%); highest among the groups gnomAD compares: South Asian, 0.03%; no homozygotes.

Submissions (3):

Women's Health and Genetics/Laboratory Corporation of America, LabCorp
Classification: Uncertain significance. Last evaluated: 2025-06-16. Review status: criteria provided, single submitter. Criteria: LabCorp Variant Classification Summary - May 2015. Collection method: clinical testing. Allele origin: germline.
Comment: Variant summary: SCN2A c.1208T>C (p.Ile403Thr) results in a non-conservative amino acid change in the encoded protein sequence. Algorithms developed to predict the effect of missense changes on protein structure and function all suggest that this variant is likely to be disruptive. The variant allele was found at a frequency of 2.8e-05 in 251304 control chromosomes. The available data on variant occurrences in the general population are insufficient to allow any conclusion about variant significance. To our knowledge, no occurrence of c.1208T>C in individuals affected with Early Infantile Epileptic Encephalopathy 11 and no experimental evidence demonstrating its impact on protein function have been reported. ClinVar contains an entry for this variant (Variation ID: 1927701). Based on the evidence outlined above, the variant was classified as uncertain significance.

Mayo Clinic Laboratories, Mayo Clinic
Classification: Uncertain significance. Last evaluated: 2025-03-21. Review status: criteria provided, single submitter. Criteria: ACMG Guidelines, 2015. Collection method: clinical testing. Allele origin: germline. Observed: 2 variant alleles.
Comment: PP3_strong

Labcorp Genetics (formerly Invitae), Labcorp
Classification: Uncertain significance for Seizures, benign familial infantile, 3; Developmental and epileptic encephalopathy, 11. Last evaluated: 2023-12-18. Review status: criteria provided, single submitter. Criteria: Invitae Variant Classification Sherloc (09022015). Collection method: clinical testing. Allele origin: germline.
Comment: This sequence change replaces isoleucine, which is neutral and non-polar, with threonine, which is neutral and polar, at codon 403 of the SCN2A protein (p.Ile403Thr). This variant is present in population databases (rs773029348, gnomAD 0.02%). This variant has not been reported in the literature in individuals affected with SCN2A-related conditions. ClinVar contains an entry for this variant (Variation ID: 1927701). Advanced modeling of protein sequence and biophysical properties (such as structural, functional, and spatial information, amino acid conservation, physicochemical variation, residue mobility, and thermodynamic stability) performed at Invitae indicates that this missense variant is expected to disrupt SCN2A protein function with a positive predictive value of 95%. In summary, the available evidence is currently insufficient to determine the role of this variant in disease. Therefore, it has been classified as a Variant of Uncertain Significance.

NM_001040142.2(SCN2A):c.1208T>C (p.Ile403Thr)

Gene: SCN2A (sodium voltage-gated channel alpha subunit 2; plus strand). Cytogenetic location: 2q24.3.
Variant type: single nucleotide variant.
Coding change: c.1208T>C on transcript NM_001040142.2 (MANE Select); coding-DNA position 1208, T replaced by C.
Protein change: p.Ile403Thr; replaces isoleucine 403 with threonine.
Molecular consequence: missense variant.
Genome position (GRCh38, 1-based): chr2:165,313,933, T>C. VCF-style: chr2-165313933-T-C. GRCh37 (hg19) VCF-style: chr2-166170443-T-C.
Other names: p.Ile403Thr; c.1208T>C, p.Ile403Thr (NM_001040143.2, NM_001371246.1, NM_001371247.1 and 1 more transcripts); short protein forms I403T.
Identifiers: ClinVar variation 1927701 (VCV001927701.6), dbSNP rs773029348, ClinGen allele CA1939782.